The following is an entry in ClinVar:

NM_005956.4(MTHFD1):c.388A>G (p.Ile130Val)

Gene: MTHFD1 (methylenetetrahydrofolate dehydrogenase, cyclohydrolase and formyltetrahydrofolate synthetase 1; plus strand). Cytogenetic location: 14q23.3.
Variant type: single nucleotide variant.
Coding change: c.388A>G on transcript NM_005956.4 (MANE Select); coding-DNA position 388, A replaced by G.
Protein change: p.Ile130Val; replaces isoleucine 130 with valine.
Molecular consequence: missense variant.
Genome position (GRCh38, 1-based): chr14:64,415,649, A>G. VCF-style: chr14-64415649-A-G. GRCh37 (hg19) VCF-style: chr14-64882367-A-G.
Other names: c.388A>G, p.Ile130Val (NM_001364837.1); short protein forms I130V.
Identifiers: ClinVar variation 1062029 (VCV001062029.8), dbSNP rs375190456, ClinGen allele CA7225925.

ClinVar aggregate classification (germline): Uncertain significance. Review status: criteria provided, multiple submitters, no conflicts (2 of 4 stars). 2 submissions from 2 submitters: Uncertain significance (2). Last evaluated 2024-10-10.

Allele frequency attached by ClinVar (database versions not stated): gnomAD exomes 0.00001 and 0.00004; ExAC 0.00003; ESP Exome Variant Server 0.00008; gnomAD 0.00008 and 0.00009; TOPMed 0.00011.
gnomAD v4.1: 27 of 1,612,268 alleles (0.0017%); highest among the groups gnomAD compares: African/African-American, 0.028%; no homozygotes.

Submissions (2):

Labcorp Genetics (formerly Invitae), Labcorp
Classification: Uncertain significance. Last evaluated: 2024-10-10. Review status: criteria provided, single submitter. Criteria: Invitae Variant Classification Sherloc (09022015). Collection method: clinical testing. Allele origin: germline.
Comment: This sequence change replaces isoleucine, which is neutral and non-polar, with valine, which is neutral and non-polar, at codon 130 of the MTHFD1 protein (p.Ile130Val). This variant is present in population databases (rs375190456, gnomAD 0.03%). This variant has not been reported in the literature in individuals affected with MTHFD1-related conditions. ClinVar contains an entry for this variant (Variation ID: 1062029). Invitae Evidence Modeling of protein sequence and biophysical properties (such as structural, functional, and spatial information, amino acid conservation, physicochemical variation, residue mobility, and thermodynamic stability) indicates that this missense variant is not expected to disrupt MTHFD1 protein function with a negative predictive value of 80%. In summary, the available evidence is currently insufficient to determine the role of this variant in disease. Therefore, it has been classified as a Variant of Uncertain Significance.

Breakthrough Genomics
Classification: Uncertain significance. Review status: criteria provided, single submitter. Criteria: ACMG Guidelines, 2015. Collection method: not provided. Allele origin: germline. Inheritance: Autosomal recessive inheritance. Affected: yes.